The following is an entry in ClinVar:

ClinVar aggregate classification (germline): Uncertain significance (1 of 4 stars; one submission).

gnomAD v4.1: 82 of 1,612,960 alleles (0.0051%); highest among the groups gnomAD compares: Non-Finnish European, 0.0068%; no homozygotes.

Submission:

CeGaT Center for Human Genetics Tuebingen
Classification: Uncertain significance. Last evaluated: 2024-09-01. Review status: criteria provided, single submitter. Criteria: CeGaT Center For Human Genetics Tuebingen Variant Classification Criteria Version 2. Collection method: clinical testing. Allele origin: germline. Affected: yes. Observed: 1 variant allele.
Comment: HSF2BP: PM2

NM_007031.2(HSF2BP):c.670G>T (p.Gly224Ter)

Gene: HSF2BP (heat shock transcription factor 2 binding protein; minus strand). Cytogenetic location: 21q22.3.
Variant type: single nucleotide variant.
Coding change: c.670G>T on transcript NM_007031.2 (MANE Select); coding-DNA position 670, G replaced by T.
Protein change: p.Gly224Ter; replaces glycine 224 with a stop codon.
Molecular consequence: nonsense.
Genome position (GRCh38, 1-based): chr21:43,613,852, C>A on the plus strand (G>T on the coding strand, the complement: HSF2BP is on the minus strand). VCF-style: chr21-43613852-C-A. GRCh37 (hg19) VCF-style: chr21-45033733-C-A.
Other names: short protein forms G224*.
Identifiers: ClinVar variation 3389049 (VCV003389049.14).